The following is an entry in ClinVar:

NM_015512.5(DNAH1):c.4390C>T (p.Pro1464Ser)

Gene: DNAH1 (dynein axonemal heavy chain 1; plus strand). Cytogenetic location: 3p21.1.
Variant type: single nucleotide variant.
Coding change: c.4390C>T on transcript NM_015512.5 (MANE Select); coding-DNA position 4390, C replaced by T.
Protein change: p.Pro1464Ser; replaces proline 1464 with serine.
Molecular consequence: missense variant.
Genome position (GRCh38, 1-based): chr3:52,359,369, C>T. VCF-style: chr3-52359369-C-T. GRCh37 (hg19) VCF-style: chr3-52393385-C-T.
Other names: short protein forms P1464S.
Identifiers: ClinVar variation 2187604 (VCV002187604.4), dbSNP rs1702757737, ClinGen allele CA353127603.

ClinVar aggregate classification (germline): Uncertain significance (1 of 4 stars; one submission).

Conditions:
Ciliary dyskinesia, primary, 37 (CILD37). Also called: CILIARY DYSKINESIA, PRIMARY, 37, WITH OR WITHOUT SITUS INVERSUS. Identifiers: MedGen C4539798, MONDO:0033204, OMIM 617577.
Spermatogenic failure 18. Identifiers: MedGen C4539783, MONDO:0054615, OMIM 617576.

Allele frequency attached by ClinVar (database versions not stated): TOPMed below 0.00001.
gnomAD v4.1: 3 of 1,570,894 alleles (0.00019%); highest among the groups gnomAD compares: African/African-American, 0.0027%; no homozygotes.

Submission:

Labcorp Genetics (formerly Invitae), Labcorp
Classification: Uncertain significance for Ciliary dyskinesia, primary, 37; Spermatogenic failure 18. Last evaluated: 2022-03-01. Review status: criteria provided, single submitter. Criteria: Invitae Variant Classification Sherloc (09022015). Collection method: clinical testing. Allele origin: germline.
Comment: In summary, the available evidence is currently insufficient to determine the role of this variant in disease. Therefore, it has been classified as a Variant of Uncertain Significance. Algorithms developed to predict the effect of missense changes on protein structure and function are either unavailable or do not agree on the potential impact of this missense change (SIFT: "Deleterious"; PolyPhen-2: "Benign"; Align-GVGD: "Class C0"). This variant has not been reported in the literature in individuals affected with DNAH1-related conditions. This variant is not present in population databases (gnomAD no frequency). This sequence change replaces proline, which is neutral and non-polar, with serine, which is neutral and polar, at codon 1464 of the DNAH1 protein (p.Pro1464Ser).